The following is an entry in ClinVar:

NM_024301.5(FKRP):c.1055G>C (p.Arg352Pro)

Gene: FKRP (fukutin related protein; plus strand). Cytogenetic location: 19q13.32.
Variant type: single nucleotide variant.
Coding change: c.1055G>C on transcript NM_024301.5 (MANE Select); coding-DNA position 1055, G replaced by C.
Protein change: p.Arg352Pro; replaces arginine 352 with proline.
Molecular consequence: missense variant.
Genome position (GRCh38, 1-based): chr19:46,756,505, G>C. VCF-style: chr19-46756505-G-C. GRCh37 (hg19) VCF-style: chr19-47259762-G-C.
Other names: c.1055G>C, p.Arg352Pro (NM_001039885.3); short protein forms R352P.
Identifiers: ClinVar variation 2191301 (VCV002191301.4), dbSNP rs2513996082, ClinGen allele CA406496551.
Genomic context (GRCh38, chr19:46,756,505, plus strand): 5'-TGCTGGAGGCTGCGGGCGTGCGCTACTGGCTCGAGGGCGGCTCACTGCTGGGGGCCGCCC[G>C]CCACGGGGACATCATCCCATGGGACTACGACGTGGACCTGGGCATCTACTTGGAGGACGT-3'
Protein context (NP_077277.1, residues 342-362): LEGGSLLGAA[Arg352Pro]HGDIIPWDYD

ClinVar aggregate classification (germline): Likely pathogenic (1 of 4 stars; one submission).

Conditions:
Walker-Warburg congenital muscular dystrophy. Also called: Muscular dystrophy-dystroglycanopathy, type A; Walker-Warburg syndrome. Identifiers: Orphanet 899, MedGen C0265221, MONDO:0000171.

Allele frequency attached by ClinVar (database versions not stated): gnomAD exomes below 0.00001.
gnomAD v4.1: 2 of 1,576,876 alleles (0.00013%); highest among the groups gnomAD compares: Non-Finnish European, 0.00017%; no homozygotes.

Submission:

Labcorp Genetics (formerly Invitae), Labcorp
Classification: Likely pathogenic for Walker-Warburg congenital muscular dystrophy. Last evaluated: 2023-09-21. Review status: criteria provided, single submitter. Criteria: Invitae Variant Classification Sherloc (09022015). Collection method: clinical testing. Allele origin: germline.
Comment: In summary, the currently available evidence indicates that the variant is pathogenic, but additional data are needed to prove that conclusively. Therefore, this variant has been classified as Likely Pathogenic. Advanced modeling of protein sequence and biophysical properties (such as structural, functional, and spatial information, amino acid conservation, physicochemical variation, residue mobility, and thermodynamic stability) performed at Invitae indicates that this missense variant is expected to disrupt FKRP protein function. ClinVar contains an entry for this variant (Variation ID: 2191301). This missense change has been observed in individual(s) with clinical features of FKRP-related conditions (Invitae). In at least one individual the data is consistent with being in trans (on the opposite chromosome) from a pathogenic variant. This variant is not present in population databases (gnomAD no frequency). This sequence change replaces arginine, which is basic and polar, with proline, which is neutral and non-polar, at codon 352 of the FKRP protein (p.Arg352Pro).